The following is an entry in ClinVar:

ClinVar aggregate classification (germline): Pathogenic/Likely pathogenic. Review status: criteria provided, multiple submitters, no conflicts (2 of 4 stars). 2 submissions from 2 submitters: Pathogenic (1); Likely pathogenic (1). Last evaluated 2024-04-15.

Conditions:
Autoimmune lymphoproliferative syndrome type 1. Also called: AUTOIMMUNE LYMPHOPROLIFERATIVE SYNDROME, TYPE I, AUTOSOMAL DOMINANT. Identifiers: Orphanet 3261, MedGen C2717884, MONDO:0011158, OMIM 601859.

Submissions (2):

Mayo Clinic Laboratories, Mayo Clinic
Classification: Likely pathogenic. Last evaluated: 2024-04-15. Review status: criteria provided, single submitter. Criteria: ACMG Guidelines, 2015. Collection method: clinical testing. Allele origin: germline. Observed: 1 variant allele.
Comment: PM2, PVS1

Rady Children's Institute for Genomic Medicine, Rady Children's Hospital San Diego
Classification: Pathogenic for AUTOIMMUNE LYMPHOPROLIFERATIVE SYNDROME. Last evaluated: 2018-07-31. Review status: criteria provided, single submitter. Criteria: ACMG Guidelines, 2015. Collection method: clinical testing. Allele origin: germline. Affected: yes. Observed: 1 variant allele.
Comment: This frameshifting variant in exon 8 of 9 introduces a premature stop codon and is therefore predicted to result in loss of normal protein function. This variant has not been previously reported or functionally characterized in the literature to our knowledge, but loss of function variants in FAS are an established mechanism of disease in Autoimmune lymphoproliferative syndrome (PMID: 21490157, 22237435). The variant is absent from the ExAC and gnomAD population databases and thus is presumed to be rare. Based on the available evidence, the c.1959_1960delTA (p.Pro655HisfsTer12) variant is classified as pathogenic.

Literature cited by the submitters: PubMed 37683818 (cited by Mayo Clinic Laboratories, Mayo Clinic).

NM_000043.6(FAS):c.657_658del (p.Val220fs)

Gene: FAS (Fas cell surface death receptor; plus strand). Cytogenetic location: 10q23.31.
Variant type: Deletion.
Coding change: c.657_658del on transcript NM_000043.6 (MANE Select); coding-DNA positions 657 to 658, 2 bases deleted (AG; older notation c.657_658delAG).
Protein change: p.Val220fs; shifts the reading frame from valine 220.
Molecular consequence: frameshift variant. On other transcripts: non-coding transcript variant (7), intron variant (1).
Genome position (GRCh38, 1-based): chr10:89,013,348-89,013,349, AG deleted. VCF-style (leftmost placement, unchanged base first): chr10-89013347-CAG-C. GRCh37 (hg19) VCF-style: chr10-90773104-CAG-C.
Other names: p.Val220Glyfs*6; c.574_575del, p.Ser192fs (NM_001320619.2); c.594_595del, p.Val199fs (NM_152871.4); c.652-771_652-770del (NM_152872.4); short protein forms S192fs, V199fs, V220fs.
Identifiers: ClinVar variation 692047 (VCV000692047.2), dbSNP rs1589488494, ClinGen allele CA645542410.
Genomic context (GRCh38, chr10:89,013,347, plus strand): 5'-TATTCTAAAGATATATTTTTATTTGTCTTTCTCTGCTTCCATTTTTTGCTTTCTAGGAAA[CAG>C]TGGCAATAAATTTATCTGGTAAGGCTTTTATCATTTTATTTCATAGAGATGGCATCCTTT-3'